The following is an entry in ClinVar:

NM_015474.4(SAMHD1):c.-31T>C

Gene: SAMHD1 (SAM and HD domain containing deoxynucleoside triphosphate triphosphohydrolase 1; minus strand). Cytogenetic location: 20q11.23.
Variant type: single nucleotide variant.
Coding change: c.-31T>C on transcript NM_015474.4 (MANE Select); 31 bases upstream of the start codon, T replaced by C.
Molecular consequence: 5 prime UTR variant.
Genome position (GRCh38, 1-based): chr20:36,951,674, A>G on the plus strand (T>C on the coding strand, the complement: SAMHD1 is on the minus strand). VCF-style: chr20-36951674-A-G. GRCh37 (hg19) VCF-style: chr20-35580077-A-G.
Other names: c.-31T>C (NM_001363729.2, NM_001363733.2).
Identifiers: ClinVar variation 338353 (VCV000338353.5), dbSNP rs142162198, ClinGen allele CA9844872.
Genomic context (GRCh38, chr20:36,951,674, plus strand): 5'-GGAGGGCTGCTCGGAATCGGCTCGCTGCATGGCTACACCTGGCGTCCGGCACAGCAGTCA[A>G]GAACCTCGGCGCCGGACCCGCGCGCAGGCGCACTGACAGCAGGGCCCTGGCGGGGAGTCC-3'

ClinVar aggregate classification (germline): Conflicting classifications of pathogenicity. Review status: criteria provided, conflicting classifications (1 of 4 stars). 2 submissions from 1 submitter: Uncertain significance (1); Benign (1). Last evaluated 2018-01-12.

Conditions:
Aicardi-Goutieres syndrome 5. Identifiers: Orphanet 51, MedGen C2749659, MONDO:0013059, OMIM 612952.
Chilblain lupus 2 (CHBL2). Identifiers: MedGen C3280721, MONDO:0013739, OMIM 614415.

Allele frequency attached by ClinVar (database versions not stated): 1000 Genomes Project 0.00020; ESP Exome Variant Server 0.00023; 1000 Genomes Project 30x 0.00031; ExAC 0.00035; TOPMed 0.00036; gnomAD 0.00038; gnomAD exomes 0.00048.
gnomAD v4.1: 561 of 1,611,312 alleles (0.035%); highest among the groups gnomAD compares: Middle Eastern, 0.1%; 3 homozygotes.

Submissions (2):

Illumina Laboratory Services, Illumina
Classification: Uncertain significance for Aicardi-Goutieres syndrome 5. Last evaluated: 2018-01-12. Review status: criteria provided, single submitter. Criteria: ICSL Variant Classification Criteria 13 December 2019. Collection method: clinical testing. Allele origin: germline.

Illumina Laboratory Services, Illumina
Classification: Benign for Chilblain lupus 2. Last evaluated: 2018-01-12. Review status: criteria provided, single submitter. Criteria: ICSL Variant Classification Criteria 13 December 2019. Collection method: clinical testing. Allele origin: germline.
Comment: This variant was observed in the ICSL laboratory as part of a predisposition screen in an ostensibly healthy population. It had not been previously curated by ICSL or reported in the Human Gene Mutation Database (HGMD: prior to June 1st, 2018), and was therefore a candidate for classification through an automated scoring system. Utilizing variant allele frequency, disease prevalence and penetrance estimates, and inheritance mode, an automated score was calculated to assess if this variant is too frequent to cause the disease. Based on the score and internal cut-off values, a variant classified as benign is not then subjected to further curation. The score for this variant resulted in a classification of benign for this disease.